The following is an entry in ClinVar:

NM_004364.5(CEBPA):c.409G>A (p.Gly137Ser)

Gene: CEBPA (CCAAT enhancer binding protein alpha; minus strand). Cytogenetic location: 19q13.11.
Variant type: single nucleotide variant.
Coding change: c.409G>A on transcript NM_004364.5 (MANE Select); coding-DNA position 409, G replaced by A.
Protein change: p.Gly137Ser; replaces glycine 137 with serine.
Molecular consequence: missense variant.
Genome position (GRCh38, 1-based): chr19:33,302,006, C>T on the plus strand (G>A on the coding strand, the complement: CEBPA is on the minus strand). VCF-style: chr19-33302006-C-T. GRCh37 (hg19) VCF-style: chr19-33792912-C-T.
Other names: c.52G>A, p.Gly18Ser (NM_001285829.2); c.514G>A, p.Gly172Ser (NM_001287424.2); c.367G>A, p.Gly123Ser (NM_001287435.2); short protein forms G137S, G123S, G172S, G18S.
Identifiers: ClinVar variation 5034313 (VCV005034313.1).

ClinVar aggregate classification (germline): Uncertain significance (1 of 4 stars; one submission).

Conditions:
Inborn genetic diseases. Identifiers: MedGen C0950123, MeSH D030342.

Submission:

Ambry Genetics
Classification: Uncertain significance for Inborn genetic diseases. Last evaluated: 2026-08-22. Review status: criteria provided, single submitter. Criteria: Ambry Variant Classification Scheme 2023. Collection method: clinical testing. Allele origin: germline.
Comment: The p.G137S variant (also known as c.409G>A), located in coding exon 1 of the CEBPA gene, results from a G to A substitution at nucleotide position 409. The glycine at codon 137 is replaced by serine, an amino acid with similar properties. This amino acid position is conserved. In addition, this alteration is predicted to be tolerated by in silico analysis. Based on the available evidence, the clinical significance of this variant remains unclear.